The following is an entry in ClinVar:

NM_001382430.1(AKT1):c.1189G>A (p.Glu397Lys)

Gene: AKT1 (AKT serine/threonine kinase 1; minus strand). Cytogenetic location: 14q32.33.
Variant type: single nucleotide variant.
Coding change: c.1189G>A on transcript NM_001382430.1 (MANE Select); coding-DNA position 1189, G replaced by A.
Protein change: p.Glu397Lys; replaces glutamic acid 397 with lysine.
Molecular consequence: missense variant.
Genome position (GRCh38, 1-based): chr14:104,772,436, C>T on the plus strand (G>A on the coding strand, the complement: AKT1 is on the minus strand). VCF-style: chr14-104772436-C-T. GRCh37 (hg19) VCF-style: chr14-105238773-C-T.
Other names: c.1189G>A, p.Glu397Lys (NM_001014431.2, NM_001014432.2, NM_001382431.1 and 3 more transcripts); short protein forms E397K.
Identifiers: ClinVar variation 1404494 (VCV001404494.8), dbSNP rs531850885, ClinGen allele CA7374532.
Genomic context (GRCh38, chr14:104,772,436, plus strand): 5'-ACACGTGCTGCCACACGATACCGGCAAAGAAGCGATGCTGCATGATCTCCTTGGCGTCCT[C>T]GGAGCCCCCGCCAAGCCTGCAGGCAGGAAACAAGGCCACAGTGTCGGTACCGCCACCTGC-3'
Protein context (NP_001369359.1, residues 387-407): DPKQRLGGGS[Glu397Lys]DAKEIMQHRF

ClinVar aggregate classification (germline): Uncertain significance. Review status: criteria provided, multiple submitters, no conflicts (2 of 4 stars). 3 submissions from 3 submitters: Uncertain significance (3). Last evaluated 2024-11-28.

Conditions:
Inborn genetic diseases. Identifiers: MedGen C0950123, MeSH D030342.
Cowden syndrome 6 (CWS6). Identifiers: Orphanet 201, MedGen C3554519, MONDO:0014048, OMIM 615109.

Allele frequency attached by ClinVar (database versions not stated): gnomAD 0.00001 and 0.00003; gnomAD exomes 0.00002; ExAC 0.00004; TOPMed 0.00007; 1000 Genomes Project 30x 0.00031; 1000 Genomes Project 0.00040.
gnomAD v4.1: 29 of 1,613,472 alleles (0.0018%); highest among the groups gnomAD compares: Middle Eastern, 0.016%; no homozygotes.

Submissions (3):

Ambry Genetics
Classification: Uncertain significance for Inborn genetic diseases. Last evaluated: 2024-11-28. Review status: criteria provided, single submitter. Criteria: Ambry Variant Classification Scheme 2023. Collection method: clinical testing. Allele origin: germline.
Comment: The p.E397K variant (also known as c.1189G>A), located in coding exon 11 of the AKT1 gene, results from a G to A substitution at nucleotide position 1189. The glutamic acid at codon 397 is replaced by lysine, an amino acid with similar properties. This amino acid position is conserved. In addition, this alteration is predicted to be tolerated by in silico analysis. Based on the available evidence, the clinical significance of this variant remains unclear.

Labcorp Genetics (formerly Invitae), Labcorp
Classification: Uncertain significance for Cowden syndrome 6. Last evaluated: 2024-04-15. Review status: criteria provided, single submitter. Criteria: Invitae Variant Classification Sherloc (09022015). Collection method: clinical testing. Allele origin: germline.
Comment: This sequence change replaces glutamic acid, which is acidic and polar, with lysine, which is basic and polar, at codon 397 of the AKT1 protein (p.Glu397Lys). This variant is present in population databases (rs531850885, gnomAD 0.007%). This variant has not been reported in the literature in individuals affected with AKT1-related conditions. ClinVar contains an entry for this variant (Variation ID: 1404494). An algorithm developed to predict the effect of missense changes on protein structure and function (PolyPhen-2) suggests that this variant is likely to be tolerated. In summary, the available evidence is currently insufficient to determine the role of this variant in disease. Therefore, it has been classified as a Variant of Uncertain Significance.

Breakthrough Genomics
Classification: Uncertain significance. Review status: criteria provided, single submitter. Criteria: ACMG Guidelines, 2015. Collection method: not provided. Allele origin: germline. Inheritance: Autosomal dominant inheritance. Affected: yes.